The following is an entry in ClinVar:

NM_001378452.1(ITPR1):c.4666C>T (p.Arg1556Trp)

Genes: BRRIAR (BHLHE40 and RIG-I regulating ITPR1 antisense RNA; minus strand), ITPR1 (inositol 1,4,5-trisphosphate receptor type 1; plus strand). Cytogenetic location: 3p26.1.
Variant type: single nucleotide variant.
Coding change: c.4666C>T on transcript NM_001378452.1 (MANE Select); coding-DNA position 4666, C replaced by T.
Protein change: p.Arg1556Trp; replaces arginine 1556 with tryptophan.
Molecular consequence: missense variant.
Genome position (GRCh38, 1-based): chr3:4,706,175, C>T. VCF-style: chr3-4706175-C-T. GRCh37 (hg19) VCF-style: chr3-4747859-C-T.
Other names: c.4639C>T, p.Arg1547Trp (NM_001099952.4); c.4621C>T, p.Arg1541Trp (NM_001168272.2); c.4594C>T, p.Arg1532Trp (NM_002222.7); short protein forms R1532W, R1547W, R1556W, R1541W.
Identifiers: ClinVar variation 2960876 (VCV002960876.3), dbSNP rs746953729, ClinGen allele CA2232088.
Genomic context (GRCh38, chr3:4,706,175, plus strand): 5'-GGGTGTCCCCCATAAAAGTTGTAGGCTCACGACTCATCTTTCTCCTGTGCAGCCAAGAGC[C>T]GGGCCATTGCCATTCCCGTGGACCTGGACAGCCAAGTCAACAACCTCTTTCTCAAGTCCC-3'
Protein context (NP_001365381.1, residues 1546-1566): IRVLSDVAKS[Arg1556Trp]AIAIPVDLDS

ClinVar aggregate classification (germline): Uncertain significance (1 of 4 stars; one submission).

Allele frequency attached by ClinVar (database versions not stated): ExAC 0.00001; gnomAD exomes 0.00001.
gnomAD v4.1: 13 of 1,613,884 alleles (0.00081%); highest among the groups gnomAD compares: East Asian, 0.0022%; no homozygotes.

Submission:

Labcorp Genetics (formerly Invitae), Labcorp
Classification: Uncertain significance. Last evaluated: 2024-10-17. Review status: criteria provided, single submitter. Criteria: Invitae Variant Classification Sherloc (09022015). Collection method: clinical testing. Allele origin: germline.
Comment: This sequence change replaces arginine, which is basic and polar, with tryptophan, which is neutral and slightly polar, at codon 1532 of the ITPR1 protein (p.Arg1532Trp). This variant is present in population databases (rs746953729, gnomAD 0.0009%). This variant has not been reported in the literature in individuals affected with ITPR1-related conditions. Invitae Evidence Modeling of protein sequence and biophysical properties (such as structural, functional, and spatial information, amino acid conservation, physicochemical variation, residue mobility, and thermodynamic stability) indicates that this missense variant is expected to disrupt ITPR1 protein function with a positive predictive value of 80%. In summary, the available evidence is currently insufficient to determine the role of this variant in disease. Therefore, it has been classified as a Variant of Uncertain Significance.